The following is an entry in ClinVar:

ClinVar aggregate classification (germline): Uncertain significance (1 of 4 stars; one submission).

Conditions:
Adams-Oliver syndrome 5 (AOS5). Identifiers: Orphanet 974, MedGen C4014970, MONDO:0014459, OMIM 616028.

Submission:

Labcorp Genetics (formerly Invitae), Labcorp
Classification: Uncertain significance for Adams-Oliver syndrome 5. Last evaluated: 2024-01-22. Review status: criteria provided, single submitter. Criteria: Invitae Variant Classification Sherloc (09022015). Collection method: clinical testing. Allele origin: germline.
Comment: This variant, c.7039_7047del, results in the deletion of 3 amino acid(s) of the NOTCH1 protein (p.Val2347_Pro2349del), but otherwise preserves the integrity of the reading frame. This variant is not present in population databases (gnomAD no frequency). This variant has not been reported in the literature in individuals affected with NOTCH1-related conditions. ClinVar contains an entry for this variant (Variation ID: 2096075). Experimental studies and prediction algorithms are not available or were not evaluated, and the functional significance of this variant is currently unknown. In summary, the available evidence is currently insufficient to determine the role of this variant in disease. Therefore, it has been classified as a Variant of Uncertain Significance.

NM_017617.5(NOTCH1):c.7039_7047del (p.Val2347_Pro2349del)

Gene: NOTCH1 (notch receptor 1; minus strand). Cytogenetic location: 9q34.3.
Variant type: Deletion.
Coding change: c.7039_7047del on transcript NM_017617.5 (MANE Select); coding-DNA positions 7039 to 7047, 9 bases deleted (GTAGGCCCG; older notation c.7039_7047delGTAGGCCCG).
Protein change: p.Val2347_Pro2349del.
Molecular consequence: inframe deletion.
Genome position (GRCh38, 1-based): chr9:136,496,692-136,496,700, CGGGCCTAC deleted on the plus strand (GTAGGCCCG on the coding strand, the reverse complement: NOTCH1 is on the minus strand); deleting any 9 consecutive bases within chr9:136,496,692-136,496,701 gives the same sequence; the c. name uses the placement nearest the transcript's 3' end. VCF-style (leftmost placement, unchanged base first): chr9-136496691-GCGGGCCTAC-G. GRCh37 (hg19) VCF-style: chr9-139391143-GCGGGCCTAC-G.
Identifiers: ClinVar variation 2096075 (VCV002096075.4), dbSNP rs2540421207, ClinGen allele CA2580080929.